The following is an entry in ClinVar:

ClinVar aggregate classification (germline): Uncertain significance. Review status: criteria provided, multiple submitters, no conflicts (2 of 4 stars). 2 submissions from 2 submitters: Uncertain significance (2). Last evaluated 2026-08-04.

Conditions:
PKD1L1-related disorder. Also called: PKD1L1-related condition.

Allele frequency attached by ClinVar (database versions not stated): TOPMed 0.00002; gnomAD 0.00004; ExAC 0.00001.
gnomAD v4.1: 52 of 1,614,126 alleles (0.0032%); highest among the groups gnomAD compares: Middle Eastern, 0.2%; 1 homozygote.

Submissions (2):

PreventionGenetics, part of Exact Sciences
Classification: Uncertain significance for PKD1L1-related condition. Last evaluated: 2026-08-04. Review status: criteria provided, single submitter. Criteria: ACMG Guidelines, 2015. Collection method: clinical testing. Allele origin: germline.
Comment: The PKD1L1 c.6656A>T variant is predicted to result in the amino acid substitution p.Glu2219Val. To our knowledge, this variant has not been reported in the literature. This variant is reported in 0.0062% of alleles in individuals of African descent in gnomAD. At this time, the clinical significance of this variant is uncertain due to the absence of conclusive functional and genetic evidence.

Labcorp Genetics (formerly Invitae), Labcorp
Classification: Uncertain significance. Last evaluated: 2022-05-19. Review status: criteria provided, single submitter. Criteria: Invitae Variant Classification Sherloc (09022015). Collection method: clinical testing. Allele origin: germline.
Comment: This sequence change replaces glutamic acid, which is acidic and polar, with valine, which is neutral and non-polar, at codon 2219 of the PKD1L1 protein (p.Glu2219Val). This variant is present in population databases (rs112467955, gnomAD 0.007%). This variant has not been reported in the literature in individuals affected with PKD1L1-related conditions. Algorithms developed to predict the effect of missense changes on protein structure and function are either unavailable or do not agree on the potential impact of this missense change (SIFT: "Deleterious"; PolyPhen-2: "Possibly Damaging"; Align-GVGD: "Class C0"). In summary, the available evidence is currently insufficient to determine the role of this variant in disease. Therefore, it has been classified as a Variant of Uncertain Significance.

NM_138295.5(PKD1L1):c.6656A>T (p.Glu2219Val)

Gene: PKD1L1 (polycystin 1 like 1, transient receptor potential channel interacting; minus strand). Cytogenetic location: 7p12.3.
Variant type: single nucleotide variant.
Coding change: c.6656A>T on transcript NM_138295.5 (MANE Select); coding-DNA position 6656, A replaced by T.
Protein change: p.Glu2219Val; replaces glutamic acid 2219 with valine.
Molecular consequence: missense variant.
Genome position (GRCh38, 1-based): chr7:47,829,504, T>A on the plus strand (A>T on the coding strand, the complement: PKD1L1 is on the minus strand). VCF-style: chr7-47829504-T-A. GRCh37 (hg19) VCF-style: chr7-47869102-T-A.
Other names: c.6656A>T (NM_138295.3); short protein forms E2219V.
Identifiers: ClinVar variation 1911150 (VCV001911150.3), dbSNP rs112467955, ClinGen allele CA4252384.